The following is an entry in ClinVar:

ClinVar aggregate classification (germline): Uncertain significance (1 of 4 stars; one submission).

Conditions:
Alpha thalassemia-X-linked intellectual disability syndrome (ATRX). Also called: ALPHA-THALASSEMIA/MENTAL RETARDATION SYNDROME, X-LINKED; ATR, NONDELETION TYPE; ATR-X syndrome; Alpha thalassemia mental retardation syndrome, nondeletion type, X-linked; XLMR hypotonic face syndrome; X-linked alpha-thalassemia-mental retardation syndrome. Identifiers: Orphanet 847, MedGen C1845055, MONDO:0010519, OMIM 301040.

Allele frequency attached by ClinVar (database versions not stated): TOPMed below 0.00001.

Submission:

Labcorp Genetics (formerly Invitae), Labcorp
Classification: Uncertain significance for Alpha thalassemia-X-linked intellectual disability syndrome. Last evaluated: 2023-03-28. Review status: criteria provided, single submitter. Criteria: Invitae Variant Classification Sherloc (09022015). Collection method: clinical testing. Allele origin: germline.
Comment: This sequence change replaces lysine, which is basic and polar, with glutamine, which is neutral and polar, at codon 495 of the ATRX protein (p.Lys495Gln). In summary, the available evidence is currently insufficient to determine the role of this variant in disease. Therefore, it has been classified as a Variant of Uncertain Significance. Advanced modeling of protein sequence and biophysical properties (such as structural, functional, and spatial information, amino acid conservation, physicochemical variation, residue mobility, and thermodynamic stability) performed at Invitae indicates that this missense variant is not expected to disrupt ATRX protein function. This variant has not been reported in the literature in individuals affected with ATRX-related conditions. This variant is not present in population databases (gnomAD no frequency).

NM_000489.6(ATRX):c.1483A>C (p.Lys495Gln)

Gene: ATRX (ATRX chromatin remodeler; minus strand). Cytogenetic location: Xq21.1.
Variant type: single nucleotide variant.
Coding change: c.1483A>C on transcript NM_000489.6 (MANE Select); coding-DNA position 1483, A replaced by C.
Protein change: p.Lys495Gln; replaces lysine 495 with glutamine.
Molecular consequence: missense variant.
Genome position (GRCh38, 1-based): chrX:77,683,773, T>G on the plus strand (A>C on the coding strand, the complement: ATRX is on the minus strand). VCF-style: chrX-77683773-T-G. GRCh37 (hg19) VCF-style: chrX-76939265-T-G.
Other names: c.1369A>C, p.Lys457Gln (NM_138270.5); short protein forms K495Q, K457Q.
Identifiers: ClinVar variation 2804868 (VCV002804868.3), dbSNP rs1333338327, ClinGen allele CA413717866.